The following is an entry in ClinVar:

ClinVar aggregate classification (germline): Uncertain significance (1 of 4 stars; one submission).

Submission:

Labcorp Genetics (formerly Invitae), Labcorp
Classification: Uncertain significance. Last evaluated: 2021-08-12. Review status: criteria provided, single submitter. Criteria: Invitae Variant Classification Sherloc (09022015). Collection method: clinical testing. Allele origin: germline.
Comment: This variant results in a copy number gain of the genomic region encompassing exon(s) 2-5 of the TYRP1 gene. This region includes the initiator codon of the gene. This copy number gain extends beyond the assayed region for this gene and therefore may encompass additional genes. As the precise location of this event is unknown, it may be in tandem or it may be located elsewhere in the genome. This variant has not been reported in the literature in individuals affected with TYRP1-related conditions. Experimental studies and prediction algorithms are not available or were not evaluated, and the functional significance of this variant is currently unknown. Experimental studies and prediction algorithms are not available or were not evaluated, and the effect of this variant on mRNA splicing is currently unknown. In summary, the available evidence is currently insufficient to determine the role of this variant in disease. Therefore, it has been classified as a Variant of Uncertain Significance.

NC_000009.11:g.(?_12693997)_(12702458_?)dup

Gene: TYRP1 (tyrosinase related protein 1; plus strand). Cytogenetic location: 9p23.
Variant type: Duplication.
Identifiers: ClinVar variation 1046423 (VCV001046423.6).